The following is an entry in ClinVar:

NM_005982.4(SIX1):c.806A>T (p.Asp269Val)

Gene: SIX1 (SIX homeobox 1; minus strand). Cytogenetic location: 14q23.1.
Variant type: single nucleotide variant.
Coding change: c.806A>T on transcript NM_005982.4 (MANE Select); coding-DNA position 806, A replaced by T.
Protein change: p.Asp269Val; replaces aspartic acid 269 with valine.
Molecular consequence: missense variant. On other transcripts: 3 prime UTR variant (1).
Genome position (GRCh38, 1-based): chr14:60,646,332, T>A on the plus strand (A>T on the coding strand, the complement: SIX1 is on the minus strand). VCF-style: chr14-60646332-T-A. GRCh37 (hg19) VCF-style: chr14-61113050-T-A.
Other names: c.*225A>T (NM_001425142.1); short protein forms D269V.
Identifiers: ClinVar variation 4786570 (VCV004786570.1).

ClinVar aggregate classification (germline): Uncertain significance (1 of 4 stars; one submission).

Conditions:
Autosomal dominant nonsyndromic hearing loss 23. Identifiers: Orphanet 90635, MedGen C1854594, MONDO:0011519, OMIM 605192.
Branchiootic syndrome 3 (BOS3). Also called: BO SYNDROME 3. Identifiers: MedGen C1842124, MONDO:0012025, OMIM 608389.

Submission:

Labcorp Genetics (formerly Invitae), Labcorp
Classification: Uncertain significance for Autosomal dominant nonsyndromic hearing loss 23; Branchiootic syndrome 3. Last evaluated: 2025-10-29. Review status: criteria provided, single submitter. Criteria: Invitae Variant Classification Sherloc (09022015). Collection method: clinical testing. Allele origin: germline.
Comment: This sequence change replaces aspartic acid, which is acidic and polar, with valine, which is neutral and non-polar, at codon 269 of the SIX1 protein (p.Asp269Val). This variant is not present in population databases (gnomAD no frequency). This variant has not been reported in the literature in individuals affected with SIX1-related conditions. An algorithm developed to predict the effect of missense changes on protein structure and function (PolyPhen-2) suggests that this variant is likely to be disruptive. In summary, the available evidence is currently insufficient to determine the role of this variant in disease. Therefore, it has been classified as a Variant of Uncertain Significance.